The following is an entry in ClinVar:

ClinVar aggregate classification (germline): Uncertain significance (1 of 4 stars; one submission).

Submission:

Labcorp Genetics (formerly Invitae), Labcorp
Classification: Uncertain significance. Last evaluated: 2022-08-31. Review status: criteria provided, single submitter. Criteria: Invitae Variant Classification Sherloc (09022015). Collection method: clinical testing. Allele origin: germline.
Comment: In summary, the available evidence is currently insufficient to determine the role of this variant in disease. Therefore, it has been classified as a Variant of Uncertain Significance. Advanced modeling of protein sequence and biophysical properties (such as structural, functional, and spatial information, amino acid conservation, physicochemical variation, residue mobility, and thermodynamic stability) performed at Invitae indicates that this missense variant is not expected to disrupt CFI protein function. ClinVar contains an entry for this variant (Variation ID: 1460670). This variant has not been reported in the literature in individuals affected with CFI-related conditions. This variant is not present in population databases (gnomAD no frequency). This sequence change replaces threonine with alanine at codon 72 of the CFI protein (p.Thr72Ala). The threonine residue is moderately conserved and there is a small physicochemical difference between threonine and alanine.

NM_000204.5(CFI):c.214A>G (p.Thr72Ala)

Gene: CFI (complement factor I; minus strand). Cytogenetic location: 4q25.
Variant type: single nucleotide variant.
Coding change: c.214A>G on transcript NM_000204.5 (MANE Select); coding-DNA position 214, A replaced by G.
Protein change: p.Thr72Ala; replaces threonine 72 with alanine.
Molecular consequence: missense variant. On other transcripts: non-coding transcript variant (3), intron variant (1).
Genome position (GRCh38, 1-based): chr4:109,766,668, T>C on the plus strand (A>G on the coding strand, the complement: CFI is on the minus strand). VCF-style: chr4-109766668-T-C. GRCh37 (hg19) VCF-style: chr4-110687824-T-C.
Other names: c.214A>G, p.Thr72Ala (NM_001318057.2, NM_001331035.2, NM_001375278.1 and 5 more transcripts); c.-127-4976A>G (NM_001375284.1); short protein forms T72A.
Identifiers: ClinVar variation 1460670 (VCV001460670.6), dbSNP rs2126224479, ClinGen allele CA357865342.